The following is an entry in ClinVar:

ClinVar aggregate classification (germline): Uncertain significance. Review status: criteria provided, multiple submitters, no conflicts (2 of 4 stars). 3 submissions from 3 submitters: Uncertain significance (3). Last evaluated 2025-01-21.

Conditions:
Inborn genetic diseases. Identifiers: MedGen C0950123, MeSH D030342.
ALG1-congenital disorder of glycosylation. Also called: CDG Ik; CONGENITAL DISORDER OF GLYCOSYLATION, TYPE Ik; ALG1-CDG. Identifiers: Orphanet 79327, MedGen C2931005, MONDO:0012052, OMIM 608540.

Allele frequency attached by ClinVar (database versions not stated): gnomAD exomes 0.00004; ExAC 0.00005; ESP Exome Variant Server 0.00008; TOPMed 0.00009; gnomAD 0.00011 and 0.00012.
gnomAD v4.1: 55 of 1,612,160 alleles (0.0034%); highest among the groups gnomAD compares: African/African-American, 0.027%; no homozygotes.

Submissions (3):

Ambry Genetics
Classification: Uncertain significance for Inborn genetic diseases. Last evaluated: 2025-01-21. Review status: criteria provided, single submitter. Criteria: Ambry Variant Classification Scheme 2023. Collection method: clinical testing. Allele origin: germline.

Labcorp Genetics (formerly Invitae), Labcorp
Classification: Uncertain significance for ALG1-congenital disorder of glycosylation. Last evaluated: 2022-08-16. Review status: criteria provided, single submitter. Criteria: Invitae Variant Classification Sherloc (09022015). Collection method: clinical testing. Allele origin: germline.
Comment: This sequence change replaces threonine, which is neutral and polar, with methionine, which is neutral and non-polar, at codon 271 of the ALG1 protein (p.Thr271Met). This variant is present in population databases (rs368722637, gnomAD 0.02%). This variant has not been reported in the literature in individuals affected with ALG1-related conditions. ClinVar contains an entry for this variant (Variation ID: 1351723). Advanced modeling of protein sequence and biophysical properties (such as structural, functional, and spatial information, amino acid conservation, physicochemical variation, residue mobility, and thermodynamic stability) performed at Invitae indicates that this missense variant is not expected to disrupt ALG1 protein function. In summary, the available evidence is currently insufficient to determine the role of this variant in disease. Therefore, it has been classified as a Variant of Uncertain Significance.

Fulgent Genetics
Classification: Uncertain significance for ALG1-congenital disorder of glycosylation. Last evaluated: 2021-08-25. Review status: criteria provided, single submitter. Criteria: ACMG Guidelines, 2015. Collection method: clinical testing. Allele origin: unknown.

NM_019109.5(ALG1):c.812C>T (p.Thr271Met)

Gene: ALG1 (ALG1 chitobiosyldiphosphodolichol beta-mannosyltransferase; plus strand). Cytogenetic location: 16p13.3.
Variant type: single nucleotide variant.
Coding change: c.812C>T on transcript NM_019109.5 (MANE Select); coding-DNA position 812, C replaced by T.
Protein change: p.Thr271Met; replaces threonine 271 with methionine.
Molecular consequence: missense variant.
Genome position (GRCh38, 1-based): chr16:5,078,828, C>T. VCF-style: chr16-5078828-C-T. GRCh37 (hg19) VCF-style: chr16-5128829-C-T.
Other names: c.479C>T, p.Thr160Met (NM_001330504.2); c.812C>T (NM_019109.4); short protein forms T271M, T160M.
Identifiers: ClinVar variation 1351723 (VCV001351723.5), dbSNP rs368722637, ClinGen allele CA7890026.
Genomic context (GRCh38, chr16:5,078,828, plus strand): 5'-AGGACCCAGTCACGGAGCGGTCGGCCTTCACGGAGCGGGATGCTGGGAGCGGGCTGGTGA[C>T]GCGTCTCCGTGAGCGGCCAGCCCTGCTGGTCAGCAGCACGAGCTGGACAGGTCTGCAGGA-3'
Protein context (NP_061982.3, residues 261-281): TERDAGSGLV[Thr271Met]RLRERPALLV